The following is an entry in ClinVar:

ClinVar aggregate classification (germline): Pathogenic. Review status: criteria provided, multiple submitters, no conflicts (2 of 4 stars). 2 submissions from 2 submitters: Pathogenic (2). Last evaluated 2021-01-01.

Conditions:
Congenital myopathy 2c, severe infantile, autosomal dominant (CMYO2C). Identifiers: MedGen C5830333, MONDO:0859523, OMIM 620278.
Actin accumulation myopathy (CMYO2A). Also called: Myopathy, actin, congenital, with cores; Nemaline myopathy 3, with intranuclear rods; Nemaline myopathy type 3; CONGENITAL MYOPATHY 2A, TYPICAL, AUTOSOMAL DOMINANT; Myopathy, actin, congenital, with excess of thin myofilaments. Identifiers: Orphanet 98904, MedGen C3711389, MONDO:0008070, OMIM 161800.

Submissions (2):

Center for Pediatric Genomic Medicine, Children's Mercy Hospital and Clinics
Classification: Pathogenic for Congenital myopathy 2c, severe infantile, autosomal dominant. Last evaluated: 2021-01-01. Review status: criteria provided, single submitter. Criteria: ACMG Guidelines, 2015. Collection method: clinical testing. Allele origin: de novo. Affected: yes.
Comment: PS2, PS4, PM1, PM5, PP3

Labcorp Genetics (formerly Invitae), Labcorp
Classification: Pathogenic for Actin accumulation myopathy. Last evaluated: 2019-08-15. Review status: criteria provided, single submitter. Criteria: Invitae Variant Classification Sherloc (09022015). Collection method: clinical testing. Allele origin: germline.
Comment: This sequence change replaces glycine with serine at codon 17 of the ACTA1 protein (p.Gly17Ser). The glycine residue is highly conserved and there is a small physicochemical difference between glycine and serine. This variant is not present in population databases (ExAC no frequency). This variant has been observed to be de novo in an individual affected with nemaline myopathy (PMID: 29274205). Algorithms developed to predict the effect of missense changes on protein structure and function are either unavailable or do not agree on the potential impact of this missense change (SIFT: "Deleterious"; PolyPhen-2: "Probably Damaging"; Align-GVGD: "Class C0"). Algorithms developed to predict the effect of sequence changes on RNA splicing suggest that this variant may create or strengthen a splice site, but this prediction has not been confirmed by published transcriptional studies. This variant disrupts the p.Gly17 amino acid residue in ACTA1. Other variant(s) that disrupt this residue have been determined to be pathogenic (PMID: 10508519, 15226407, 17227580, 20621480, 23294764). This suggests that this residue is clinically significant, and that variants that disrupt this residue are likely to be disease-causing. For these reasons, this variant has been classified as Pathogenic.

Literature cited by the submitters: PubMed 29274205 (cited by Labcorp Genetics (formerly Invitae), Labcorp); PubMed 10508519 (cited by Labcorp Genetics (formerly Invitae), Labcorp); PubMed 15226407 (cited by Labcorp Genetics (formerly Invitae), Labcorp); PubMed 17227580 (cited by Labcorp Genetics (formerly Invitae), Labcorp); PubMed 20621480 (cited by Labcorp Genetics (formerly Invitae), Labcorp); PubMed 23294764 (cited by Labcorp Genetics (formerly Invitae), Labcorp).

NM_001100.4(ACTA1):c.49G>A (p.Gly17Ser)

Gene: ACTA1 (actin alpha 1, skeletal muscle; minus strand). Cytogenetic location: 1q42.13.
Variant type: single nucleotide variant.
Coding change: c.49G>A on transcript NM_001100.4 (MANE Select); coding-DNA position 49, G replaced by A.
Protein change: p.Gly17Ser; replaces glycine 17 with serine.
Molecular consequence: missense variant.
Genome position (GRCh38, 1-based): chr1:229,433,067, C>T on the plus strand (G>A on the coding strand, the complement: ACTA1 is on the minus strand). VCF-style: chr1-229433067-C-T. GRCh37 (hg19) VCF-style: chr1-229568814-C-T.
Other names: short protein forms G17S.
Identifiers: ClinVar variation 951759 (VCV000951759.11), dbSNP rs121909521, ClinGen allele CA345151652.